The following is an entry in ClinVar:

ClinVar aggregate classification (germline): Uncertain significance (1 of 4 stars; one submission).

Submission:

Mayo Clinic Laboratories, Mayo Clinic
Classification: Uncertain significance. Last evaluated: 2025-04-28. Review status: criteria provided, single submitter. Criteria: ACMG Guidelines, 2015. Collection method: clinical testing. Allele origin: germline. Observed: 1 variant allele.
Comment: BP4_moderate, PM2_supporting

NM_020312.4(COQ9):c.284G>A (p.Ser95Asn)

Gene: COQ9 (coenzyme Q9; plus strand). Cytogenetic location: 16q21.
Variant type: single nucleotide variant.
Coding change: c.284G>A on transcript NM_020312.4 (MANE Select); coding-DNA position 284, G replaced by A.
Protein change: p.Ser95Asn; replaces serine 95 with asparagine.
Molecular consequence: missense variant.
Genome position (GRCh38, 1-based): chr16:57,452,842, G>A. VCF-style: chr16-57452842-G-A. GRCh37 (hg19) VCF-style: chr16-57486754-G-A.
Other names: p.Ser95Asn; short protein forms S95N.
Identifiers: ClinVar variation 4542034 (VCV004542034.1).